The following is an entry in ClinVar:

ClinVar aggregate classification (germline): Uncertain significance. Review status: criteria provided, multiple submitters, no conflicts (2 of 4 stars). 3 submissions from 3 submitters: Uncertain significance (3). Last evaluated 2025-11-30.

Conditions:
Mitochondrial complex I deficiency, nuclear type 1. Also called: NADH-COENZYME Q REDUCTASE DEFICIENCY; MITOCHONDRIAL NADH DEHYDROGENASE COMPONENT OF COMPLEX I, DEFICIENCY OF. Identifiers: MedGen C6022305, MONDO:0100224, OMIM 252010.

Allele frequency attached by ClinVar (database versions not stated): gnomAD exomes 0.00008 and 0.00016; ExAC 0.00021; TOPMed 0.00058; gnomAD 0.00066 and 0.00069; ESP Exome Variant Server 0.00103; 1000 Genomes Project 30x 0.00109; 1000 Genomes Project 0.00120.
gnomAD v4.1: 246 of 1,593,464 alleles (0.015%); highest among the groups gnomAD compares: African/African-American, 0.23%; 1 homozygote.

Submissions (3):

GeneDx
Classification: Uncertain significance. Last evaluated: 2025-11-30. Review status: criteria provided, single submitter. Criteria: GeneDx Variant Classification Process June 2021. Collection method: clinical testing. Allele origin: germline. Affected: yes.
Comment: In silico analysis suggests that this missense variant does not alter protein structure/function; Has not been previously published as pathogenic or benign to our knowledge

Labcorp Genetics (formerly Invitae), Labcorp
Classification: Uncertain significance. Last evaluated: 2024-01-24. Review status: criteria provided, single submitter. Criteria: Invitae Variant Classification Sherloc (09022015). Collection method: clinical testing. Allele origin: germline.
Comment: This sequence change replaces serine, which is neutral and polar, with asparagine, which is neutral and polar, at codon 128 of the NUBPL protein (p.Ser128Asn). This variant is present in population databases (rs143612760, gnomAD 0.2%). This variant has not been reported in the literature in individuals affected with NUBPL-related conditions. ClinVar contains an entry for this variant (Variation ID: 313025). Algorithms developed to predict the effect of missense changes on protein structure and function output the following: SIFT: "Not Available"; PolyPhen-2: "Benign"; Align-GVGD: "Not Available". The asparagine amino acid residue is found in multiple mammalian species, which suggests that this missense change does not adversely affect protein function. In summary, the available evidence is currently insufficient to determine the role of this variant in disease. Therefore, it has been classified as a Variant of Uncertain Significance.

Illumina Laboratory Services, Illumina
Classification: Uncertain significance for Mitochondrial complex I deficiency, nuclear type 1. Last evaluated: 2018-01-13. Review status: criteria provided, single submitter. Criteria: ICSL Variant Classification Criteria 13 December 2019. Collection method: clinical testing. Allele origin: germline.

NM_025152.3(NUBPL):c.383G>A (p.Ser128Asn)

Gene: NUBPL (NUBP iron-sulfur cluster assembly factor, mitochondrial; plus strand). Cytogenetic location: 14q12.
Variant type: single nucleotide variant.
Coding change: c.383G>A on transcript NM_025152.3 (MANE Select); coding-DNA position 383, G replaced by A.
Protein change: p.Ser128Asn; replaces serine 128 with asparagine.
Molecular consequence: missense variant. On other transcripts: non-coding transcript variant (1).
Genome position (GRCh38, 1-based): chr14:31,673,355, G>A. VCF-style: chr14-31673355-G-A. GRCh37 (hg19) VCF-style: chr14-32142561-G-A.
Other names: c.95G>A, p.Ser32Asn (NM_001201573.2); short protein forms S128N, S32N.
Identifiers: ClinVar variation 313025 (VCV000313025.10), dbSNP rs143612760, ClinGen allele CA7147853.